The following is an entry in ClinVar:

ClinVar aggregate classification (germline): Uncertain significance (1 of 4 stars; one submission).

Conditions:
Baller-Gerold syndrome (BGS). Also called: CRANIOSYNOSTOSIS WITH RADIAL DEFECTS. Identifiers: Orphanet 1225, MedGen C0265308, MONDO:0009039, OMIM 218600.

Submission:

Labcorp Genetics (formerly Invitae), Labcorp
Classification: Uncertain significance for Baller-Gerold syndrome. Last evaluated: 2020-09-04. Review status: criteria provided, single submitter. Criteria: Invitae Variant Classification Sherloc (09022015). Collection method: clinical testing. Allele origin: germline.
Comment: In summary, the available evidence is currently insufficient to determine the role of this variant in disease. Therefore, it has been classified as a Variant of Uncertain Significance. Experimental studies and prediction algorithms are not available or were not evaluated, and the functional significance of this variant is currently unknown. This variant has not been reported in the literature in individuals with RECQL4-related conditions. This variant is not present in population databases (ExAC no frequency). This sequence change replaces tyrosine with aspartic acid at codon 1056 of the RECQL4 protein (p.Tyr1056Asp). The tyrosine residue is moderately conserved and there is a large physicochemical difference between tyrosine and aspartic acid.

NM_004260.4(RECQL4):c.3166T>G (p.Tyr1056Asp)

Gene: RECQL4 (RecQ like helicase 4; minus strand). Cytogenetic location: 8q24.3.
Variant type: single nucleotide variant.
Coding change: c.3166T>G on transcript NM_004260.4 (MANE Select); coding-DNA position 3166, T replaced by G.
Protein change: p.Tyr1056Asp; replaces tyrosine 1056 with aspartic acid.
Molecular consequence: missense variant.
Genome position (GRCh38, 1-based): chr8:144,512,214, A>C on the plus strand (T>G on the coding strand, the complement: RECQL4 is on the minus strand). VCF-style: chr8-144512214-A-C. GRCh37 (hg19) VCF-style: chr8-145737597-A-C.
Other names: short protein forms Y1056D.
Identifiers: ClinVar variation 1036872 (VCV001036872.3), dbSNP rs1827370250, ClinGen allele CA372670122.